The following is an entry in ClinVar:

NM_177972.3(TUB):c.894C>T (p.Leu298=)

Genes: TUB (TUB bipartite transcription factor; plus strand), RIC3 (RIC3 acetylcholine receptor chaperone; minus strand). Cytogenetic location: 11p15.4.
Variant type: single nucleotide variant.
Coding change: c.894C>T on transcript NM_177972.3 (MANE Select); coding-DNA position 894, C replaced by T.
Protein change: p.Leu298=; no amino-acid change (leucine 298 retained).
Molecular consequence: synonymous variant.
Genome position (GRCh38, 1-based): chr11:8,097,722, C>T. VCF-style: chr11-8097722-C-T. GRCh37 (hg19) VCF-style: chr11-8119269-C-T.
Other names: c.1059C>T, p.Leu353= (NM_003320.5); c.1059C>T (NM_003320.4).
Identifiers: ClinVar variation 2060990 (VCV002060990.5), dbSNP rs1944062154, ClinGen allele CA473009655.

ClinVar aggregate classification (germline): Likely benign. Review status: criteria provided, multiple submitters, no conflicts (2 of 4 stars). 2 submissions from 2 submitters: Likely benign (2). Last evaluated 2025-03-30.

Conditions:
TUB-related disorder. Also called: TUB-related condition.

Allele frequency attached by ClinVar (database versions not stated): gnomAD exomes below 0.00001.
gnomAD v4.1: 5 of 1,613,430 alleles (0.00031%); highest among the groups gnomAD compares: Non-Finnish European, 0.00042%; no homozygotes.

Submissions (2):

PreventionGenetics, part of Exact Sciences
Classification: Likely benign for TUB-related condition. Last evaluated: 2025-03-30. Review status: criteria provided, single submitter. Criteria: ACMG Guidelines, 2015. Collection method: clinical testing. Allele origin: germline.
Comment: This variant is classified as likely benign based on ACMG/AMP sequence variant interpretation guidelines (Richards et al. 2015 PMID: 25741868, with internal and published modifications).

Labcorp Genetics (formerly Invitae), Labcorp
Classification: Likely benign. Last evaluated: 2022-04-20. Review status: criteria provided, single submitter. Criteria: Invitae Variant Classification Sherloc (09022015). Collection method: clinical testing. Allele origin: germline.